The following is an entry in ClinVar:

ClinVar aggregate classification (germline): Conflicting classifications of pathogenicity. Review status: criteria provided, conflicting classifications (1 of 4 stars). 4 submissions from 4 submitters: Uncertain significance (3); Likely benign (1). Last evaluated 2024-11-23.

Conditions:
Inborn genetic diseases. Identifiers: MedGen C0950123, MeSH D030342.
Neutropenia, severe congenital, 1, autosomal dominant. Identifiers: MedGen C1859966, MONDO:0042490, OMIM 202700.
Cyclical neutropenia. Also called: Cyclic hematopoiesis; Cyclic Neutropenia. Identifiers: Orphanet 2686, MedGen C0221023, MONDO:0008090, OMIM 162800, HP:0040289. Disease mechanism: loss of function.

Allele frequency attached by ClinVar (database versions not stated): gnomAD 0.00001.

Submissions (4):

Ambry Genetics
Classification: Likely benign for Inborn genetic diseases. Last evaluated: 2024-11-23. Review status: criteria provided, single submitter. Criteria: Ambry Variant Classification Scheme 2023. Collection method: clinical testing. Allele origin: germline.

Labcorp Genetics (formerly Invitae), Labcorp
Classification: Uncertain significance for Neutropenia, severe congenital, 1, autosomal dominant; Cyclical neutropenia. Last evaluated: 2024-06-08. Review status: criteria provided, single submitter. Criteria: Invitae Variant Classification Sherloc (09022015). Collection method: clinical testing. Allele origin: germline.
Comment: This sequence change replaces alanine, which is neutral and non-polar, with threonine, which is neutral and polar, at codon 8 of the ELANE protein (p.Ala8Thr). This variant is present in population databases (rs759486889, gnomAD 0.006%). This variant has not been reported in the literature in individuals affected with ELANE-related conditions. ClinVar contains an entry for this variant (Variation ID: 242275). Algorithms developed to predict the effect of missense changes on protein structure and function output the following: SIFT: "Not Available"; PolyPhen-2: "Benign"; Align-GVGD: "Not Available". The threonine amino acid residue is found in multiple mammalian species, which suggests that this missense change does not adversely affect protein function. In summary, the available evidence is currently insufficient to determine the role of this variant in disease. Therefore, it has been classified as a Variant of Uncertain Significance.

Fulgent Genetics
Classification: Uncertain significance for Cyclical neutropenia; Neutropenia, severe congenital, 1, autosomal dominant. Last evaluated: 2024-02-28. Review status: criteria provided, single submitter. Criteria: ACMG Guidelines, 2015. Collection method: clinical testing. Allele origin: germline.

GeneDx
Classification: Uncertain significance. Last evaluated: 2014-10-22. Review status: criteria provided, single submitter. Criteria: GeneDx Variant Classification (06012015). Collection method: clinical testing. Allele origin: germline. Affected: yes.
Comment: The A8T variant has not been published as a mutation, nor has it been reported as a benign polymorphism to our knowledge. The A8T variant was not observed in approximately 6,500 individuals of European and African American ancestry in the NHLBI Exome Sequencing Project, indicating it is not a common benign variant in these populations. The A8T variant is a non-conservative amino acid substitution, which is likely to impact secondary protein structure as these residues differ in polarity, charge, size and/or other properties. This substitution occurs at a position that is not conserved and absent in most species. In silico analysis predicts this variant likely does not alter the protein structure/function. Therefore, based on the currently available information, it is unclear whether this variant is a pathogenic mutation or a rare benign variant.

NM_001972.4(ELANE):c.22G>A (p.Ala8Thr)

Gene: ELANE (elastase, neutrophil expressed; plus strand). Cytogenetic location: 19p13.3.
Variant type: single nucleotide variant.
Coding change: c.22G>A on transcript NM_001972.4 (MANE Select); coding-DNA position 22, G replaced by A.
Protein change: p.Ala8Thr; replaces alanine 8 with threonine.
Molecular consequence: missense variant.
Genome position (GRCh38, 1-based): chr19:852,350, G>A. VCF-style: chr19-852350-G-A. GRCh37 (hg19) VCF-style: chr19-852350-G-A.
Other names: c.22G>A (LRG_57t1); short protein forms A8T.
Identifiers: ClinVar variation 242275 (VCV000242275.10), dbSNP rs759486889, ClinGen allele CA9025899.